The following is an entry in ClinVar:

NM_003611.3(OFD1):c.858G>A (p.Arg286=)

Gene: OFD1 (OFD1 centriole and centriolar satellite protein; plus strand). Cytogenetic location: Xp22.2.
Variant type: single nucleotide variant.
Coding change: c.858G>A on transcript NM_003611.3 (MANE Select); coding-DNA position 858, G replaced by A.
Protein change: p.Arg286=; no amino-acid change (arginine 286 retained).
Molecular consequence: synonymous variant.
Genome position (GRCh38, 1-based): chrX:13,749,456, G>A. VCF-style: chrX-13749456-G-A. GRCh37 (hg19) VCF-style: chrX-13767575-G-A.
Other names: c.858G>A, p.Arg286= (NM_001330209.2); c.438G>A, p.Arg146= (NM_001330210.2).
Identifiers: ClinVar variation 588792 (VCV000588792.38), dbSNP rs778507612, ClinGen allele CA10351702.

ClinVar aggregate classification (germline): Benign/Likely benign. Review status: criteria provided, multiple submitters, no conflicts (2 of 4 stars). 5 submissions from 5 submitters: Benign (1); Likely benign (3). 1 of the submissions does not count toward it. Last evaluated 2025-10-19.

Conditions:
OFD1-related disorder. Also called: OFD1-related condition.
Primary ciliary dyskinesia. Also called: Ciliary dyskinesia. Identifiers: Orphanet 244, MedGen C0008780, MONDO:0016575, HP:0012265.
Joubert syndrome. Also called: JOUBERT-BOLTSHAUSER SYNDROME; Familial aplasia of the vermis. Identifiers: Orphanet 475, MedGen C5979921, MONDO:0018772.
Orofaciodigital syndrome I (OFD1). Also called: Oral-Facial-Digital Syndrome Type I; OFDS I; Papillon-Leage and Psaume Syndrome. Identifiers: Orphanet 2750, MedGen C1510460, MONDO:0010702, OMIM 311200.

Allele frequency attached by ClinVar (database versions not stated): ExAC 0.00002; gnomAD exomes 0.00003 and 0.00019; gnomAD 0.00005; TOPMed 0.00006; 1000 Genomes Project 30x 0.00021; 1000 Genomes Project 0.00026.
gnomAD v4.1: 207 of 1,192,536 alleles (0.017%); highest among the groups gnomAD compares: Non-Finnish European, 0.023%; no homozygotes.

Submissions (5):

Labcorp Genetics (formerly Invitae), Labcorp
Classification: Benign for Orofaciodigital syndrome I; Joubert syndrome. Last evaluated: 2025-10-19. Review status: criteria provided, single submitter. Criteria: Invitae Variant Classification Sherloc (09022015). Collection method: clinical testing. Allele origin: germline.

CeGaT Center for Human Genetics Tuebingen
Classification: Likely benign. Last evaluated: 2025-07-01. Review status: criteria provided, single submitter. Criteria: CeGaT Center For Human Genetics Tuebingen Variant Classification Criteria Version 2. Collection method: clinical testing. Allele origin: germline. Affected: yes. Observed: 4 variant alleles.
Comment: OFD1: BP4, BP7, BS2

Blueprint Genetics
Classification: Likely benign. Last evaluated: 2023-11-17. Review status: criteria provided, single submitter. Criteria: ACMG Guidelines, 2015. Collection method: clinical testing. Allele origin: germline.

Ambry Genetics
Classification: Likely benign for Primary ciliary dyskinesia. Last evaluated: 2017-02-10. Review status: criteria provided, single submitter. Criteria: Ambry Variant Classification Scheme 2023. Collection method: clinical testing. Allele origin: germline.

PreventionGenetics, part of Exact Sciences
Classification: Likely benign for OFD1-related condition. Last evaluated: 2019-03-20. Review status: no assertion criteria provided. Collection method: clinical testing. Allele origin: germline. Not counted in ClinVar's aggregate classification.
Comment: This variant is classified as likely benign based on ACMG/AMP sequence variant interpretation guidelines (Richards et al. 2015 PMID: 25741868, with internal and published modifications).